The following is an entry in ClinVar:

ClinVar aggregate classification (germline): Likely benign. Review status: criteria provided, multiple submitters, no conflicts (2 of 4 stars). 3 submissions from 3 submitters: Likely benign (2). 1 of the submissions does not count toward it. Last evaluated 2024-11-07.

Conditions:
PI4KA-related disorder. Also called: PI4KA-related condition; PI4KA-related disorders. Identifiers: MedGen CN378147, MONDO:1040012.

Allele frequency attached by ClinVar (database versions not stated): gnomAD 0.00013; 1000 Genomes Project 30x 0.00016; TOPMed 0.00018; 1000 Genomes Project 0.00020; ExAC 0.00038; ESP Exome Variant Server 0.00046.
gnomAD v4.1: 392 of 1,613,784 alleles (0.024%); highest among the groups gnomAD compares: Middle Eastern, 0.15%; no homozygotes.

Submissions (3):

Blueprint Genetics
Classification: Likely benign. Last evaluated: 2024-11-07. Review status: criteria provided, single submitter. Criteria: ACMG Guidelines, 2015. Collection method: clinical testing. Allele origin: germline.

CeGaT Center for Human Genetics Tuebingen
Classification: Likely benign. Last evaluated: 2023-04-01. Review status: criteria provided, single submitter. Criteria: CeGaT Center For Human Genetics Tuebingen Variant Classification Criteria Version 2. Collection method: clinical testing. Allele origin: germline. Affected: yes. Observed: 1 variant allele.
Comment: PI4KA: BP4, BP7

PreventionGenetics, part of Exact Sciences
Classification: Likely benign for PI4KA-related condition. Last evaluated: 2023-12-04. Review status: no assertion criteria provided. Collection method: clinical testing. Allele origin: germline. Not counted in ClinVar's aggregate classification.
Comment: This variant is classified as likely benign based on ACMG/AMP sequence variant interpretation guidelines (Richards et al. 2015 PMID: 25741868, with internal and published modifications).

NM_058004.4(PI4KA):c.1185T>C (p.Phe395=)

Gene: PI4KA (phosphatidylinositol 4-kinase alpha; minus strand). Cytogenetic location: 22q11.21.
Variant type: single nucleotide variant.
Coding change: c.1185T>C on transcript NM_058004.4 (MANE Select); coding-DNA position 1185, T replaced by C.
Protein change: p.Phe395=; no amino-acid change (phenylalanine 395 retained).
Molecular consequence: synonymous variant.
Genome position (GRCh38, 1-based): chr22:20,805,149, A>G on the plus strand (T>C on the coding strand, the complement: PI4KA is on the minus strand). VCF-style: chr22-20805149-A-G. GRCh37 (hg19) VCF-style: chr22-21159437-A-G.
Other names: c.1185T>C, p.Phe395= (NM_001362862.2); c.1119T>C, p.Phe373= (NM_001362863.2); c.1185T>C (NM_058004.3).
Identifiers: ClinVar variation 2652919 (VCV002652919.26), dbSNP rs151056177, ClinGen allele CA10116541.